The following is an entry in ClinVar:

NM_001171.6(ABCC6):c.1812C>A (p.Phe604Leu)

Gene: ABCC6 (ATP binding cassette subfamily C member 6; minus strand). Cytogenetic location: 16p13.11.
Variant type: single nucleotide variant.
Coding change: c.1812C>A on transcript NM_001171.6 (MANE Select); coding-DNA position 1812, C replaced by A.
Protein change: p.Phe604Leu; replaces phenylalanine 604 with leucine.
Molecular consequence: missense variant. On other transcripts: non-coding transcript variant (1).
Genome position (GRCh38, 1-based): chr16:16,187,179, G>T on the plus strand (C>A on the coding strand, the complement: ABCC6 is on the minus strand). VCF-style: chr16-16187179-G-T. GRCh37 (hg19) VCF-style: chr16-16281036-G-T.
Other names: c.1812C>A (NM_001171.5); c.1470C>A, p.Phe490Leu (NM_001351800.1); short protein forms F604L, F490L.
Identifiers: ClinVar variation 1416301 (VCV001416301.8), dbSNP rs776483503, ClinGen allele CA7926151.

ClinVar aggregate classification (germline): Uncertain significance. Review status: criteria provided, multiple submitters, no conflicts (2 of 4 stars). 4 submissions from 4 submitters: Uncertain significance (4). Last evaluated 2025-07-14.

Conditions:
ABCC6-related disorder. Also called: ABCC6-related condition.
Inborn genetic diseases. Identifiers: MedGen C0950123, MeSH D030342.
Arterial calcification, generalized, of infancy, 2. Identifiers: Orphanet 51608, MedGen C3276161, MONDO:0013768, OMIM 614473.
Autosomal recessive inherited pseudoxanthoma elasticum (PXE). Identifiers: Orphanet 758, MedGen CN032334, MONDO:0009925, OMIM 264800.
Pseudoxanthoma elasticum, forme fruste. Also called: Pseudoxanthoma Elasticum, Incomplete; PSEUDOXANTHOMA ELASTICUM, HETEROZYGOUS. Identifiers: Orphanet 758, MedGen C1867450, MONDO:0008333, OMIM 177850.

Allele frequency attached by ClinVar (database versions not stated): ExAC 0.00005; gnomAD exomes 0.00007 and 0.00003; gnomAD 0.00001; TOPMed 0.00002.

Submissions (4):

PreventionGenetics, part of Exact Sciences
Classification: Uncertain significance for ABCC6-related condition. Last evaluated: 2025-07-14. Review status: criteria provided, single submitter. Criteria: ACMG Guidelines, 2015. Collection method: clinical testing. Allele origin: germline.
Comment: The ABCC6 c.1812C>A variant is predicted to result in the amino acid substitution p.Phe604Leu. This variant has been reported with a second causative ABCC6 variant in an individual with angioid streaks (Rosales-Padron et al. 2025. PubMed ID: 40044626). This variant was 0.052% of alleles in individuals of Latino descent in gnomAD v2. However, in gnomAD v4 (available only on GRCh38), this variant is reported in 0.032% of alleles in individuals of Latino descent, including zero homozygotes. At this time, the clinical significance of this variant is uncertain due to the absence of conclusive functional and genetic evidence.

Labcorp Genetics (formerly Invitae), Labcorp
Classification: Uncertain significance. Last evaluated: 2024-11-11. Review status: criteria provided, single submitter. Criteria: Invitae Variant Classification Sherloc (09022015). Collection method: clinical testing. Allele origin: germline.
Comment: This sequence change replaces phenylalanine, which is neutral and non-polar, with leucine, which is neutral and non-polar, at codon 604 of the ABCC6 protein (p.Phe604Leu). This variant is present in population databases (rs776483503, gnomAD 0.05%). This missense change has been observed in individual(s) with ABCC6-related conditions (internal data). ClinVar contains an entry for this variant (Variation ID: 1416301). Invitae Evidence Modeling of protein sequence and biophysical properties (such as structural, functional, and spatial information, amino acid conservation, physicochemical variation, residue mobility, and thermodynamic stability) indicates that this missense variant is expected to disrupt ABCC6 protein function with a positive predictive value of 80%. In summary, the available evidence is currently insufficient to determine the role of this variant in disease. Therefore, it has been classified as a Variant of Uncertain Significance.

Fulgent Genetics
Classification: Uncertain significance for Pseudoxanthoma elasticum, forme fruste; Autosomal recessive inherited pseudoxanthoma elasticum; Arterial calcification, generalized, of infancy, 2. Last evaluated: 2024-01-30. Review status: criteria provided, single submitter. Criteria: ACMG Guidelines, 2015. Collection method: clinical testing. Allele origin: germline.

Ambry Genetics
Classification: Uncertain significance for Inborn genetic diseases. Last evaluated: 2022-10-05. Review status: criteria provided, single submitter. Criteria: Ambry Variant Classification Scheme 2023. Collection method: clinical testing. Allele origin: germline.